The following is an entry in ClinVar:

NM_000426.4(LAMA2):c.448G>T (p.Gly150Ter)

Gene: LAMA2 (laminin subunit alpha 2; plus strand). Cytogenetic location: 6q22.33.
Variant type: single nucleotide variant.
Coding change: c.448G>T on transcript NM_000426.4 (MANE Select); coding-DNA position 448, G replaced by T.
Protein change: p.Gly150Ter; replaces glycine 150 with a stop codon.
Molecular consequence: nonsense.
Genome position (GRCh38, 1-based): chr6:129,098,224, G>T. VCF-style: chr6-129098224-G-T. GRCh37 (hg19) VCF-style: chr6-129419369-G-T.
Other names: c.448G>T, p.Gly150Ter (NM_001079823.2); short protein forms G150*.
Identifiers: ClinVar variation 5015701 (VCV005015701.1).
Genomic context (GRCh38, chr6:129,098,224, plus strand): 5'-CTTCCCTAGGTGTTCCAGATCGCGTATGTGATTGTGAAGGCAGCTAACTCCCCCCGGCCT[G>T]GAAACTGGATTTTGGAACGCTCTCTTGATGATGTTGAATACAAGCCCTGGCAGTATCATG-3'

ClinVar aggregate classification (germline): Pathogenic (1 of 4 stars; one submission).

Conditions:
LAMA2-related muscular dystrophy (LAMA2-RD). Also called: Laminin alpha 2-related dystrophy. Identifiers: MedGen C5679788, MONDO:0100228.

Submission:

Myriad Genetics, Inc.
Classification: Pathogenic for LAMA2-related muscular dystrophy. Last evaluated: 2026-03-19. Review status: criteria provided, single submitter. Criteria: Myriad Autosomal Dominant, Autosomal Recessive and X-Linked Classification Criteria (2023). Collection method: clinical testing. Allele origin: unknown.
Comment: NM_000426.3(LAMA2):c.448G>T(G150*) is expected to be pathogenic in the context of muscular dystrophy, LAMA2-related. This variant is predicted to lead to an abnormal or absent protein product due to the creation of a premature termination codon in LAMA2, a gene where loss-of-function variants are known to be pathogenic. Please note: this variant was assessed in the context of healthy population screening.